The following is an entry in ClinVar:

NM_024577.4(SH3TC2):c.694G>T (p.Val232Leu)

Gene: SH3TC2 (SH3 domain and tetratricopeptide repeats 2; minus strand). Cytogenetic location: 5q32.
Variant type: single nucleotide variant.
Coding change: c.694G>T on transcript NM_024577.4 (MANE Select); coding-DNA position 694, G replaced by T.
Protein change: p.Val232Leu; replaces valine 232 with leucine.
Molecular consequence: missense variant.
Genome position (GRCh38, 1-based): chr5:149,041,453, C>A on the plus strand (G>T on the coding strand, the complement: SH3TC2 is on the minus strand). VCF-style: chr5-149041453-C-A. GRCh37 (hg19) VCF-style: chr5-148421016-C-A.
Other names: short protein forms V232L.
Identifiers: ClinVar variation 4981467 (VCV004981467.1).

ClinVar aggregate classification (germline): Uncertain significance (1 of 4 stars; one submission).

Conditions:
SH3TC2-related disorder. Also called: SH3TC2-related condition; SH3TC2-related disorders. Identifiers: MedGen CN239303.

gnomAD v4.1: 4 of 1,613,582 alleles (0.00025%); highest among the groups gnomAD compares: Non-Finnish European, 0.00034%; no homozygotes.

Submission:

PreventionGenetics, part of Exact Sciences
Classification: Uncertain significance for SH3TC2-related condition. Last evaluated: 2025-03-09. Review status: criteria provided, single submitter. Criteria: ACMG Guidelines, 2015. Collection method: clinical testing. Allele origin: germline.
Comment: The SH3TC2 c.694G>T variant is predicted to result in the amino acid substitution p.Val232Leu. To our knowledge, this variant has not been reported in the literature or in a large population database (gnomAD), indicating this variant is rare. At this time, the clinical significance of this variant is uncertain due to the absence of conclusive functional and genetic evidence.